The following is an entry in ClinVar:

NM_000057.4(BLM):c.1949C>T (p.Pro650Leu)

Gene: BLM (BLM RecQ like helicase; plus strand). Cytogenetic location: 15q26.1.
Variant type: single nucleotide variant.
Coding change: c.1949C>T on transcript NM_000057.4 (MANE Select); coding-DNA position 1949, C replaced by T.
Protein change: p.Pro650Leu; replaces proline 650 with leucine.
Molecular consequence: missense variant.
Genome position (GRCh38, 1-based): chr15:90,763,032, C>T. VCF-style: chr15-90763032-C-T. GRCh37 (hg19) VCF-style: chr15-91306262-C-T.
Other names: c.1949C>T, p.Pro650Leu (NM_001287246.2, NM_001287247.2); c.824C>T, p.Pro275Leu (NM_001287248.2); short protein forms P275L, P650L.
Identifiers: ClinVar variation 1444369 (VCV001444369.4), dbSNP rs2151160613, ClinGen allele CA393844208.

ClinVar aggregate classification (germline): Uncertain significance. Review status: criteria provided, multiple submitters, no conflicts (2 of 4 stars). 2 submissions from 2 submitters: Uncertain significance (2). Last evaluated 2024-06-12.

Conditions:
Bloom syndrome (BLM). Also called: Bloom-Torre-Machacek syndrome. Identifiers: Orphanet 125, MedGen C0005859, MONDO:0008876, OMIM 210900.

Submissions (2):

Women's Health and Genetics/Laboratory Corporation of America, LabCorp
Classification: Uncertain significance. Last evaluated: 2024-06-12. Review status: criteria provided, single submitter. Criteria: LabCorp Variant Classification Summary - May 2015. Collection method: clinical testing. Allele origin: germline.
Comment: Variant summary: BLM c.1949C>T (p.Pro650Leu) results in a non-conservative amino acid change in the encoded protein sequence. Four of five in-silico tools predict a damaging effect of the variant on protein function. The variant was absent in 250998 control chromosomes. The available data on variant occurrences in the general population are insufficient to allow any conclusion about variant significance. c.1949C>T has been reported in the literature in a heterozygous individual affected with premature ovarian insufciency (Ke_2023). To our knowledge, no occurrence of c.1949C>T in individuals affected with Bloom Syndrome and no experimental evidence demonstrating its impact on protein function have been reported. The following publication have been ascertained in the context of this evaluation (PMID: 36732629). ClinVar contains an entry for this variant (Variation ID: 1444369). Based on the evidence outlined above, the variant was classified as uncertain significance.

Labcorp Genetics (formerly Invitae), Labcorp
Classification: Uncertain significance for Bloom syndrome. Last evaluated: 2021-07-28. Review status: criteria provided, single submitter. Criteria: Invitae Variant Classification Sherloc (09022015). Collection method: clinical testing. Allele origin: germline.
Comment: This sequence change replaces proline with leucine at codon 650 of the BLM protein (p.Pro650Leu). The proline residue is moderately conserved and there is a moderate physicochemical difference between proline and leucine. This variant is not present in population databases (ExAC no frequency). This variant has not been reported in the literature in individuals affected with BLM-related conditions. Algorithms developed to predict the effect of missense changes on protein structure and function are either unavailable or do not agree on the potential impact of this missense change (SIFT: "Deleterious"; PolyPhen-2: "Possibly Damaging"; Align-GVGD: "Class C0"). In summary, the available evidence is currently insufficient to determine the role of this variant in disease. Therefore, it has been classified as a Variant of Uncertain Significance.

Literature cited by the submitters: PubMed 36732629 (cited by Women's Health and Genetics/Laboratory Corporation of America, LabCorp).